The following is an entry in ClinVar:

ClinVar aggregate classification (germline): Pathogenic (1 of 4 stars; one submission).

Conditions:
Familial adenomatous polyposis 1 (FAP1). Also called: FAMILIAL ADENOMATOUS POLYPOSIS 1, ATTENUATED; POLYPOSIS, ADENOMATOUS INTESTINAL. Identifiers: MedGen C2713442, MONDO:0021056, OMIM 175100. Disease mechanism: loss of function.

Submission:

Myriad Genetics, Inc.
Classification: Pathogenic for Familial adenomatous polyposis 1. Last evaluated: 2023-05-05. Review status: criteria provided, single submitter. Criteria: Myriad Autosomal Dominant, Autosomal Recessive and X-Linked Classification Criteria (2023). Collection method: clinical testing. Allele origin: unknown.
Comment: This variant is considered pathogenic. This variant creates a termination codon and is predicted to result in premature protein truncation.

NM_000038.6(APC):c.2841T>A (p.Cys947Ter)

Gene: APC (APC regulator of Wnt signaling pathway; plus strand). Cytogenetic location: 5q22.2.
Variant type: single nucleotide variant.
Coding change: c.2841T>A on transcript NM_000038.6 (MANE Select); coding-DNA position 2841, T replaced by A.
Protein change: p.Cys947Ter; replaces cysteine 947 with a stop codon.
Molecular consequence: nonsense. On other transcripts: non-coding transcript variant (2).
Genome position (GRCh38, 1-based): chr5:112,838,435, T>A. VCF-style: chr5-112838435-T-A. GRCh37 (hg19) VCF-style: chr5-112174132-T-A.
Other names: c.2895T>A, p.Cys965Ter (NM_001407449.1, NM_001354896.2, NM_001407447.1 and 1 more transcripts); c.2592T>A, p.Cys864Ter (NM_001407454.1, NM_001407455.1, NM_001407456.1 and 1 more transcripts); c.2820T>A, p.Cys940Ter (NM_001407451.1); c.2811T>A, p.Cys937Ter (NM_001407452.1); c.2664T>A, p.Cys888Ter (NM_001407453.1, NM_001354901.2); c.2841T>A, p.Cys947Ter (NM_001407450.1, NM_001127510.3, NM_001354895.2); c.2787T>A, p.Cys929Ter (NM_001127511.3); c.2871T>A, p.Cys957Ter (NM_001354897.2); and 11 more; short protein forms C563*, C664*, C787*, C818*, C821*, C846*, C856*, C864*.
Identifiers: ClinVar variation 2584083 (VCV002584083.1), dbSNP rs2149878625, ClinGen allele CA16027527.
Genomic context (GRCh38, chr5:112,838,435, plus strand): 5'-TGCCCATACACATTCAAACACTTACAATTTCACTAAGTCGGAAAATTCAAATAGGACATG[T>A]TCTATGCCTTATGCCAAATTAGAATACAAGAGATCTTCAAATGATAGTTTAAATAGTGTC-3'